The following is an entry in ClinVar:

ClinVar aggregate classification (germline): Uncertain significance. Review status: criteria provided, multiple submitters, no conflicts (2 of 4 stars). 2 submissions from 2 submitters: Uncertain significance (2). Last evaluated 2025-02-10.

Conditions:
Inborn genetic diseases. Identifiers: MedGen C0950123, MeSH D030342.

Allele frequency attached by ClinVar (database versions not stated): gnomAD exomes below 0.00001; TOPMed 0.00001.
gnomAD v4.1: 2 of 1,613,698 alleles (0.00012%); highest among the groups gnomAD compares: Non-Finnish European, 0.00017%; no homozygotes.

Submissions (2):

Labcorp Genetics (formerly Invitae), Labcorp
Classification: Uncertain significance. Last evaluated: 2025-02-10. Review status: criteria provided, single submitter. Criteria: Invitae Variant Classification Sherloc (09022015). Collection method: clinical testing. Allele origin: germline.
Comment: This sequence change replaces alanine, which is neutral and non-polar, with threonine, which is neutral and polar, at codon 103 of the SCO1 protein (p.Ala103Thr). This variant is not present in population databases (gnomAD no frequency). This variant has not been reported in the literature in individuals affected with SCO1-related conditions. ClinVar contains an entry for this variant (Variation ID: 1982779). Invitae Evidence Modeling of protein sequence and biophysical properties (such as structural, functional, and spatial information, amino acid conservation, physicochemical variation, residue mobility, and thermodynamic stability) indicates that this missense variant is not expected to disrupt SCO1 protein function with a negative predictive value of 80%. In summary, the available evidence is currently insufficient to determine the role of this variant in disease. Therefore, it has been classified as a Variant of Uncertain Significance.

Ambry Genetics
Classification: Uncertain significance for Inborn genetic diseases. Last evaluated: 2024-02-21. Review status: criteria provided, single submitter. Criteria: Ambry Variant Classification Scheme 2023. Collection method: clinical testing. Allele origin: germline.

NM_004589.4(SCO1):c.307G>A (p.Ala103Thr)

Gene: SCO1 (synthesis of cytochrome C oxidase 1; minus strand). Cytogenetic location: 17p13.1.
Variant type: single nucleotide variant.
Coding change: c.307G>A on transcript NM_004589.4 (MANE Select); coding-DNA position 307, G replaced by A.
Protein change: p.Ala103Thr; replaces alanine 103 with threonine.
Molecular consequence: missense variant.
Genome position (GRCh38, 1-based): chr17:10,695,798, C>T on the plus strand (G>A on the coding strand, the complement: SCO1 is on the minus strand). VCF-style: chr17-10695798-C-T. GRCh37 (hg19) VCF-style: chr17-10599115-C-T.
Other names: c.307G>A (NM_004589.2); short protein forms A103T.
Identifiers: ClinVar variation 1982779 (VCV001982779.4), dbSNP rs927138274, ClinGen allele CA287785909.
Genomic context (GRCh38, chr17:10,695,798, plus strand): 5'-TACTCTCTGCCTTTTCTTTCTTGACGTGCTTCATTCCAGCCAGTAAAGCTCCTCCAATAG[C>T]AAATGTGATTGCTAAAGACTTCCAGGAAACAGGCTACTGGGGCAGGGATTTCAAACATAA-3'
Protein context (NP_004580.1, residues 93-113): VSWKSLAITF[Ala103Thr]IGGALLAGMK